The following is an entry in ClinVar:

NM_001165963.4(SCN1A):c.1377+1G>A

Gene: SCN1A (sodium voltage-gated channel alpha subunit 1; minus strand). Cytogenetic location: 2q24.3.
Variant type: single nucleotide variant.
Coding change: c.1377+1G>A on transcript NM_001165963.4 (MANE Select); the canonical splice donor site of the intron after coding-DNA position 1377, G replaced by A.
Molecular consequence: splice donor variant.
Genome position (GRCh38, 1-based): chr2:166,046,769, C>T on the plus strand (G>A on the coding strand, the complement: SCN1A is on the minus strand). VCF-style: chr2-166046769-C-T. GRCh37 (hg19) VCF-style: chr2-166903279-C-T.
Other names: c.1377+1G>A (NM_001353949.2, NM_001353958.2, NM_001353950.2 and 10 more transcripts); c.-1049+1G>A (NM_001353961.2).
Identifiers: ClinVar variation 1705837 (VCV001705837.4), dbSNP rs886043864, ClinGen allele CA349070173.

ClinVar aggregate classification (germline): Pathogenic/Likely pathogenic. Review status: criteria provided, multiple submitters, no conflicts (2 of 4 stars). 2 submissions from 2 submitters: Pathogenic (1); Likely pathogenic (1). Last evaluated 2024-08-14.

Conditions:
Severe myoclonic epilepsy in infancy (DRVT). Also called: SEVERE MYOCLONIC EPILEPSY OF INFANCY; DEVELOPMENTAL AND EPILEPTIC ENCEPHALOPATHY 6A; Severe Myoclonic Epilepsy in Infancy (SMEI); Dravet syndrome; Epileptic encephalopathy, early infantile, 6 (Dravet syndrome). Identifiers: Orphanet 33069, MedGen C0751122, MONDO:0100135, OMIM 607208.

Submissions (2):

Dasa
Classification: Likely pathogenic. Last evaluated: 2024-08-14. Review status: criteria provided, single submitter. Criteria: DASA Assertion Criteria. Collection method: clinical testing. Allele origin: germline.
Comment: NM_001165963.4(SCN1A):c.1377+1G>A affects a canonical splice site and is predicted to disrupt normal RNA splicing. Loss of function is an established disease mechanism for SCN1A (PMID: 11359211; PMID: 11940708; PMID: 18930999). This variant has been reported in individuals with SCN1A-related disorders. Published studies describe this variant in association with related phenotype (PMID: 22151702). Also, this variant is absent from population databases. Based on the currently available evidence, this variant is classified as likely pathogenic.

Unidad de Genómica Garrahan, Hospital de Pediatría Garrahan
Classification: Pathogenic for Severe myoclonic epilepsy in infancy. Last evaluated: 2020-01-09. Review status: criteria provided, single submitter. Criteria: ACMG Guidelines, 2015. Collection method: clinical testing. Allele origin: de novo. Affected: yes.

Literature cited by the submitters: PubMed 22151702 (cited by Dasa); PubMed 11359211 (cited by Dasa); PubMed 11940708 (cited by Dasa); PubMed 18930999 (cited by Dasa).